The following is an entry in ClinVar:

NM_001376.5(DYNC1H1):c.7625G>A (p.Ser2542Asn)

Gene: DYNC1H1 (dynein cytoplasmic 1 heavy chain 1; plus strand). Cytogenetic location: 14q32.31.
Variant type: single nucleotide variant.
Coding change: c.7625G>A on transcript NM_001376.5 (MANE Select); coding-DNA position 7625, G replaced by A.
Protein change: p.Ser2542Asn; replaces serine 2542 with asparagine.
Molecular consequence: missense variant.
Genome position (GRCh38, 1-based): chr14:102,016,776, G>A. VCF-style: chr14-102016776-G-A. GRCh37 (hg19) VCF-style: chr14-102483113-G-A.
Other names: short protein forms S2542N.
Identifiers: ClinVar variation 2230700 (VCV002230700.6), dbSNP rs769101846, ClinGen allele CA7352868.
Genomic context (GRCh38, chr14:102,016,776, plus strand): 5'-AGGAGGCACCTTGGTTGCAGCCGGACTCACACTTCCATCTCCGTGTGTAGGTGTCCATCA[G>A]CGGAGAATGGTCTCCGTGGCAGGCCAAGGTGCCTCAGATTGAAGTGGAGACGCACAAGGT-3'
Protein context (NP_001367.2, residues 2532-2552): IPIIDYEVSI[Ser2542Asn]GEWSPWQAKV

ClinVar aggregate classification (germline): Conflicting classifications of pathogenicity. Review status: criteria provided, conflicting classifications (1 of 4 stars). 3 submissions from 3 submitters: Uncertain significance (2); Likely benign (1). Last evaluated 2024-11-26.

Conditions:
Inborn genetic diseases. Identifiers: MedGen C0950123, MeSH D030342.
Charcot-Marie-Tooth disease axonal type 2O. Also called: CHARCOT-MARIE-TOOTH NEUROPATHY, AXONAL, TYPE 2O; CHARCOT-MARIE-TOOTH DISEASE, AXONAL, AUTOSOMAL DOMINANT, TYPE 2O; Charcot-Marie-Tooth Neuropathy Type 2O; Charcot-Marie-Tooth disease, axonal, type 20. Identifiers: Orphanet 284232, MedGen C3280220, MONDO:0013644, OMIM 614228.

Allele frequency attached by ClinVar (database versions not stated): TOPMed below 0.00001.
gnomAD v4.1: 4 of 1,613,740 alleles (0.00025%); highest among the groups gnomAD compares: South Asian, 0.0044%; no homozygotes.

Submissions (3):

Labcorp Genetics (formerly Invitae), Labcorp
Classification: Likely benign for Charcot-Marie-Tooth disease axonal type 2O. Last evaluated: 2024-11-26. Review status: criteria provided, single submitter. Criteria: Invitae Variant Classification Sherloc (09022015). Collection method: clinical testing. Allele origin: germline.

GeneDx
Classification: Uncertain significance. Last evaluated: 2024-05-17. Review status: criteria provided, single submitter. Criteria: GeneDx Variant Classification Process June 2021. Collection method: clinical testing. Allele origin: germline. Affected: yes.
Comment: In silico analysis indicates that this missense variant does not alter protein structure/function; Has not been previously published as pathogenic or benign to our knowledge; This variant is associated with the following publications: (PMID: 26100331, 25609763, 25512093)

Ambry Genetics
Classification: Uncertain significance for Inborn genetic diseases. Last evaluated: 2021-05-25. Review status: criteria provided, single submitter. Criteria: Ambry Variant Classification Scheme 2023. Collection method: clinical testing. Allele origin: germline.